The following is an entry in ClinVar:

NM_172341.4(PSENEN):c.71C>G (p.Ala24Gly)

Gene: PSENEN (presenilin enhancer, gamma-secretase subunit; plus strand). Cytogenetic location: 19q13.12.
Variant type: single nucleotide variant.
Coding change: c.71C>G on transcript NM_172341.4 (MANE Select); coding-DNA position 71, C replaced by G.
Protein change: p.Ala24Gly; replaces alanine 24 with glycine.
Molecular consequence: missense variant.
Genome position (GRCh38, 1-based): chr19:35,746,428, C>G. VCF-style: chr19-35746428-C-G. GRCh37 (hg19) VCF-style: chr19-36237329-C-G.
Other names: c.71C>G, p.Ala24Gly (NM_001281532.3); short protein forms A24G.
Identifiers: ClinVar variation 2750175 (VCV002750175.3), dbSNP rs1970571148, ClinGen allele CA405461901.

ClinVar aggregate classification (germline): Uncertain significance (1 of 4 stars; one submission).

Allele frequency attached by ClinVar (database versions not stated): TOPMed below 0.00001.

Submission:

Labcorp Genetics (formerly Invitae), Labcorp
Classification: Uncertain significance. Last evaluated: 2023-08-04. Review status: criteria provided, single submitter. Criteria: Invitae Variant Classification Sherloc (09022015). Collection method: clinical testing. Allele origin: germline.
Comment: This sequence change replaces alanine, which is neutral and non-polar, with glycine, which is neutral and non-polar, at codon 24 of the PSENEN protein (p.Ala24Gly). In summary, the available evidence is currently insufficient to determine the role of this variant in disease. Therefore, it has been classified as a Variant of Uncertain Significance. An algorithm developed to predict the effect of missense changes on protein structure and function (PolyPhen-2) suggests that this variant is likely to be disruptive. This variant has not been reported in the literature in individuals affected with PSENEN-related conditions. This variant is not present in population databases (gnomAD no frequency).